The following is an entry in ClinVar:

NM_001261428.3(LPIN1):c.20T>C (p.Ile7Thr)

Gene: LPIN1 (lipin 1; plus strand). Cytogenetic location: 2p25.1.
Variant type: single nucleotide variant.
Coding change: c.20T>C on transcript NM_001261428.3; coding-DNA position 20, T replaced by C.
Protein change: p.Ile7Thr; replaces isoleucine 7 with threonine.
Molecular consequence: missense variant.
Genome position (GRCh38, 1-based): chr2:11,677,667, T>C. VCF-style: chr2-11677667-T-C. GRCh37 (hg19) VCF-style: chr2-11817793-T-C.
Other names: c.20T>C, p.Ile7Thr (NM_001349207.2, NM_001349208.2); short protein forms I7T.
Identifiers: ClinVar variation 4887912 (VCV004887912.1).

ClinVar aggregate classification (germline): Uncertain significance (1 of 4 stars; one submission).

gnomAD v4.1: 148 of 1,535,692 alleles (0.0096%); highest among the groups gnomAD compares: African/African-American, 0.18%; no homozygotes.

Submission:

GeneDx
Classification: Uncertain significance. Last evaluated: 2026-02-24. Review status: criteria provided, single submitter. Criteria: GeneDx Variant Classification Process June 2021. Collection method: clinical testing. Allele origin: germline.
Comment: In silico analysis suggests that this missense variant does not alter protein structure/function; Has not been previously published as pathogenic or benign to our knowledge; Reported using an alternate transcript of the gene